The following is an entry in ClinVar:

NM_001166108.2(PALLD):c.1651A>G (p.Met551Val)

Gene: PALLD (palladin, cytoskeletal associated protein; plus strand). Cytogenetic location: 4q32.3.
Variant type: single nucleotide variant.
Coding change: c.1651A>G on transcript NM_001166108.2 (MANE Select); coding-DNA position 1651, A replaced by G.
Protein change: p.Met551Val; replaces methionine 551 with valine.
Molecular consequence: missense variant.
Genome position (GRCh38, 1-based): chr4:168,711,610, A>G. VCF-style: chr4-168711610-A-G. GRCh37 (hg19) VCF-style: chr4-169632761-A-G.
Other names: c.505A>G, p.Met169Val (NM_001166109.2); c.1651A>G, p.Met551Val (NM_016081.4); short protein forms M169V, M551V.
Identifiers: ClinVar variation 1777262 (VCV001777262.3), dbSNP rs1416285102, ClinGen allele CA358797916.

ClinVar aggregate classification (germline): Uncertain significance (1 of 4 stars; one submission).

Allele frequency attached by ClinVar (database versions not stated): gnomAD exomes below 0.00001.
gnomAD v4.1: 1 of 1,613,988 alleles (0.000062%); highest among the groups gnomAD compares: Non-Finnish European, 0.000085%; no homozygotes.

Submission:

Ambry Genetics
Classification: Uncertain significance. Last evaluated: 2024-08-17. Review status: criteria provided, single submitter. Criteria: Ambry Variant Classification Scheme 2023. Collection method: clinical testing. Allele origin: germline.
Comment: The p.M551V variant (also known as c.1651A>G), located in coding exon 9 of the PALLD gene, results from an A to G substitution at nucleotide position 1651. The methionine at codon 551 is replaced by valine, an amino acid with highly similar properties. This amino acid position is conserved. In addition, this alteration is predicted to be tolerated by in silico analysis. Since supporting evidence is limited at this time, the clinical significance of this alteration remains unclear.